The following is an entry in ClinVar:

ClinVar aggregate classification (germline): Likely benign (1 of 4 stars; one submission).

Conditions:
AFF4-related disorder. Also called: AFF4-related condition.

Submission:

PreventionGenetics, part of Exact Sciences
Classification: Likely benign for AFF4-related condition. Last evaluated: 2024-10-21. Review status: criteria provided, single submitter. Criteria: ACMG Guidelines, 2015. Collection method: clinical testing. Allele origin: germline.
Comment: This variant is classified as likely benign based on ACMG/AMP sequence variant interpretation guidelines (Richards et al. 2015 PMID: 25741868, with internal and published modifications).

NM_014423.4(AFF4):c.2565C>T (p.Ser855=)

Gene: AFF4 (ALF transcription elongation factor 4; minus strand). Cytogenetic location: 5q31.1.
Variant type: single nucleotide variant.
Coding change: c.2565C>T on transcript NM_014423.4 (MANE Select); coding-DNA position 2565, C replaced by T.
Protein change: p.Ser855=; no amino-acid change (serine 855 retained).
Molecular consequence: synonymous variant.
Genome position (GRCh38, 1-based): chr5:132,892,236, G>A on the plus strand (C>T on the coding strand, the complement: AFF4 is on the minus strand). VCF-style: chr5-132892236-G-A. GRCh37 (hg19) VCF-style: chr5-132227928-G-A.
Identifiers: ClinVar variation 4999839 (VCV004999839.1).
Genomic context (GRCh38, chr5:132,892,236, plus strand): 5'-GGAGCTACTGGAAGTCTTCCCTTCGGTCTTCTTCTGCTTTGATGTGGAGGAACTGTTTTT[G>A]CTGCTGCCACTCGTCTCCTTGTTGCTGTTACTGCTTGACTTTAAGGAAGAAGACTGACTA-3'
Protein context (NP_055238.1, residues 845-865): SNSNKETSGS[Ser855=]KNSSSTSKQK